The following is an entry in ClinVar:

NM_004371.4(COPA):c.2315A>G (p.Glu772Gly)

Gene: COPA (coat protein complex I subunit alpha; minus strand). Cytogenetic location: 1q23.2.
Variant type: single nucleotide variant.
Coding change: c.2315A>G on transcript NM_004371.4 (MANE Select); coding-DNA position 2315, A replaced by G.
Protein change: p.Glu772Gly; replaces glutamic acid 772 with glycine.
Molecular consequence: missense variant.
Genome position (GRCh38, 1-based): chr1:160,296,098, T>C on the plus strand (A>G on the coding strand, the complement: COPA is on the minus strand). VCF-style: chr1-160296098-T-C. GRCh37 (hg19) VCF-style: chr1-160265888-T-C.
Other names: c.2342A>G, p.Glu781Gly (NM_001098398.2); short protein forms E781G, E772G.
Identifiers: ClinVar variation 2139479 (VCV002139479.4), dbSNP rs2525360759, ClinGen allele CA343276747.

ClinVar aggregate classification (germline): Uncertain significance (1 of 4 stars; one submission).

Conditions:
Autoimmune interstitial lung disease-arthritis syndrome. Also called: Autoinflammation and autoimmunity, systemic, with immune dysregulation. Identifiers: Orphanet 444092, MedGen C5975714, MONDO:0014629.

Submission:

Labcorp Genetics (formerly Invitae), Labcorp
Classification: Uncertain significance for Autoimmune interstitial lung disease-arthritis syndrome. Last evaluated: 2023-01-13. Review status: criteria provided, single submitter. Criteria: Invitae Variant Classification Sherloc (09022015). Collection method: clinical testing. Allele origin: germline.
Comment: In summary, the available evidence is currently insufficient to determine the role of this variant in disease. Therefore, it has been classified as a Variant of Uncertain Significance. Advanced modeling of protein sequence and biophysical properties (such as structural, functional, and spatial information, amino acid conservation, physicochemical variation, residue mobility, and thermodynamic stability) performed at Invitae indicates that this missense variant is not expected to disrupt COPA protein function. This variant has not been reported in the literature in individuals affected with COPA-related conditions. This variant is not present in population databases (gnomAD no frequency). This sequence change replaces glutamic acid, which is acidic and polar, with glycine, which is neutral and non-polar, at codon 772 of the COPA protein (p.Glu772Gly).